The following is an entry in ClinVar:

ClinVar aggregate classification (germline): Uncertain significance. Review status: criteria provided, multiple submitters, no conflicts (2 of 4 stars). 2 submissions from 2 submitters: Uncertain significance (2). Last evaluated 2025-09-04.

Conditions:
Erythrocytosis, familial, 3 (ECYT3). Identifiers: Orphanet 247511, MedGen C1853286, MONDO:0012353, OMIM 609820.

Allele frequency attached by ClinVar (database versions not stated): gnomAD 0.00001; gnomAD exomes 0.00001; TOPMed 0.00002; ExAC 0.00008.
gnomAD v4.1: 21 of 1,553,798 alleles (0.0014%); highest among the groups gnomAD compares: African/African-American, 0.0028%; no homozygotes.

Submissions (2):

Ambry Genetics
Classification: Uncertain significance. Last evaluated: 2025-09-04. Review status: criteria provided, single submitter. Criteria: Ambry Variant Classification Scheme 2023. Collection method: clinical testing. Allele origin: germline.
Comment: The p.K44R variant (also known as c.131A>G), located in coding exon 1 of the EGLN1 gene, results from an A to G substitution at nucleotide position 131. The lysine at codon 44 is replaced by arginine, an amino acid with highly similar properties. This amino acid position is conserved. In addition, this alteration is predicted to be tolerated by in silico analysis. Since supporting evidence is limited at this time, the clinical significance of this alteration remains unclear.

Labcorp Genetics (formerly Invitae), Labcorp
Classification: Uncertain significance for Erythrocytosis, familial, 3. Last evaluated: 2024-06-29. Review status: criteria provided, single submitter. Criteria: Invitae Variant Classification Sherloc (09022015). Collection method: clinical testing. Allele origin: germline.
Comment: This sequence change replaces lysine, which is basic and polar, with arginine, which is basic and polar, at codon 44 of the EGLN1 protein (p.Lys44Arg). The frequency data for this variant in the population databases is considered unreliable, as metrics indicate poor data quality at this position in the gnomAD database. This variant has not been reported in the literature in individuals affected with EGLN1-related conditions. ClinVar contains an entry for this variant (Variation ID: 1769859). An algorithm developed to predict the effect of missense changes on protein structure and function (PolyPhen-2) suggests that this variant is likely to be disruptive. In summary, the available evidence is currently insufficient to determine the role of this variant in disease. Therefore, it has been classified as a Variant of Uncertain Significance.

NM_022051.3(EGLN1):c.131A>G (p.Lys44Arg)

Gene: EGLN1 (egl-9 family hypoxia inducible factor 1; minus strand). Cytogenetic location: 1q42.2.
Variant type: single nucleotide variant.
Coding change: c.131A>G on transcript NM_022051.3 (MANE Select); coding-DNA position 131, A replaced by G.
Protein change: p.Lys44Arg; replaces lysine 44 with arginine.
Molecular consequence: missense variant.
Genome position (GRCh38, 1-based): chr1:231,421,758, T>C on the plus strand (A>G on the coding strand, the complement: EGLN1 is on the minus strand). VCF-style: chr1-231421758-T-C. GRCh37 (hg19) VCF-style: chr1-231557504-T-C.
Other names: c.131A>G, p.Lys44Arg (NM_001377260.1, NM_001377261.1); short protein forms K44R.
Identifiers: ClinVar variation 1769859 (VCV001769859.9), dbSNP rs781405202, ClinGen allele CA1453203.
Genomic context (GRCh38, chr1:231,421,758, plus strand): 5'-GCGCCCTCGCTGCCCTGGCACACGAGCTTGTGCTTCTTCCAGTCCTGACGCTGGTGCTCC[T>C]TGCAGCAGTAGAAGGAGCTGCGGCAGCGGCTGCAGCGCAGCAGGTTCTCCATCTTCCCGC-3'
Protein context (NP_071334.1, residues 34-54): SRCRSSFYCC[Lys44Arg]EHQRQDWKKH